The following is an entry in ClinVar:

NM_002439.5(MSH3):c.2878G>A (p.Ala960Thr)

Gene: MSH3 (mutS homolog 3; plus strand). Cytogenetic location: 5q14.1.
Variant type: single nucleotide variant.
Coding change: c.2878G>A on transcript NM_002439.5 (MANE Select); coding-DNA position 2878, G replaced by A.
Protein change: p.Ala960Thr; replaces alanine 960 with threonine.
Molecular consequence: missense variant.
Genome position (GRCh38, 1-based): chr5:80,854,194, G>A. VCF-style: chr5-80854194-G-A. GRCh37 (hg19) VCF-style: chr5-80150013-G-A.
Other names: short protein forms A960T.
Identifiers: ClinVar variation 2092652 (VCV002092652.4), dbSNP rs748227776, ClinGen allele CA360275599.

ClinVar aggregate classification (germline): Uncertain significance (1 of 4 stars; one submission).

gnomAD v4.1: 1 of 1,613,816 alleles (0.000062%); highest among the groups gnomAD compares: Non-Finnish European, 0.000085%; no homozygotes.

Submission:

Labcorp Genetics (formerly Invitae), Labcorp
Classification: Uncertain significance. Last evaluated: 2022-02-03. Review status: criteria provided, single submitter. Criteria: Invitae Variant Classification Sherloc (09022015). Collection method: clinical testing. Allele origin: germline.
Comment: Algorithms developed to predict the effect of missense changes on protein structure and function are either unavailable or do not agree on the potential impact of this missense change (SIFT: "Tolerated"; PolyPhen-2: "Possibly Damaging"; Align-GVGD: "Class C0"). This variant has not been reported in the literature in individuals affected with MSH3-related conditions. This variant is not present in population databases (gnomAD no frequency). This sequence change replaces alanine, which is neutral and non-polar, with threonine, which is neutral and polar, at codon 960 of the MSH3 protein (p.Ala960Thr). In summary, the available evidence is currently insufficient to determine the role of this variant in disease. Therefore, it has been classified as a Variant of Uncertain Significance.